The following is an entry in ClinVar:

ClinVar aggregate classification (germline): Pathogenic/Likely pathogenic. Review status: criteria provided, multiple submitters, no conflicts (2 of 4 stars). 10 submissions from 10 submitters: Pathogenic (3); Likely pathogenic (5). 2 of the submissions do not count toward it. Last evaluated 2026-09-08.

Conditions:
Retinitis pigmentosa and erythrocytic microcytosis (RPEM). Identifiers: MedGen C4310776, MONDO:0014850, OMIM 616959.
TRNT1-related disorder. Also called: TRNT1-related disorders; TRNT1-related condition.
Congenital sideroblastic anemia-B-cell immunodeficiency-periodic fever-developmental delay syndrome. Also called: Sideroblastic anemia with B-cell immunodeficiency, periodic fevers, and developmental delay. Identifiers: Orphanet 369861, MedGen C4015172, MONDO:0014487, OMIM 616084.
Retinal dystrophy. Also called: Inherited retinal dystrophy. Identifiers: Orphanet 71862, MedGen C0854723, MeSH D058499, MONDO:0019118, HP:0000556.

Submissions (10):

GeneDx
Classification: Pathogenic. Last evaluated: 2026-09-08. Review status: criteria provided, single submitter. Criteria: GeneDx Variant Classification Process June 2021. Collection method: clinical testing. Allele origin: germline.
Comment: Frameshift variant predicted to result in abnormal protein length as the last 17 amino acid(s) are replaced with 8 different amino acid(s), and other similar variants have been reported in HGMD; This variant is associated with the following publications: (PMID: 26494905, 29358286, 25193871, Jung2023[Abstract], 38523675)

PreventionGenetics, part of Exact Sciences
Classification: Likely pathogenic for TRNT1-related condition. Last evaluated: 2026-07-27. Review status: criteria provided, single submitter. Criteria: ACMG Guidelines, 2015. Collection method: clinical testing. Allele origin: germline.
Comment: The TRNT1 c.1252dupA variant is predicted to result in a frameshift and premature protein termination (p.Ser418Lysfs*9). This variant has been reported in the compound heterozygous state in patients with congenital sideroblastic anemia with immunodeficiency, fevers, and developmental delay (referred to as c.1252_1253insA, Chakraborty et al. 2014. PubMed ID: 25193871; Giannelou et al. 2018. PubMed ID: 29358286). This variant was also reported in the compound heterozygous state in two brothers with retinitis pigmentosa (referred to as c.1246A[8], DeLuca et al. 2016. PubMed ID: 26494905). This variant is located in the terminal exon of the gene and therefore the transcript is not expected to undergo nonsense mediated decay. This variant is present in 0.053% of alleles in individuals of European (Non-Finnish) descent in gnomAD. This variant is interpreted as likely pathogenic.

Labcorp Genetics (formerly Invitae), Labcorp
Classification: Pathogenic for Congenital sideroblastic anemia-B-cell immunodeficiency-periodic fever-developmental delay syndrome. Last evaluated: 2026-01-27. Review status: criteria provided, single submitter. Criteria: Invitae Variant Classification Sherloc (09022015). Collection method: clinical testing. Allele origin: germline.
Comment: This sequence change creates a premature translational stop signal (p.Ser418Lysfs*9) in the TRNT1 gene. While this is not anticipated to result in nonsense mediated decay, it is expected to disrupt the last 17 amino acid(s) of the TRNT1 protein. This variant is present in population databases (rs758671550, gnomAD 0.05%). This premature translational stop signal has been observed in individuals with TRNT1-related conditions (PMID: 25193871, 26494905, 29358286; internal data). It has also been observed to segregate with disease in related individuals. This variant is also known as c.1246A[8]. ClinVar contains an entry for this variant (Variation ID: 234934). For these reasons, this variant has been classified as Pathogenic.

CeGaT Center for Human Genetics Tuebingen
Classification: Likely pathogenic. Last evaluated: 2025-06-01. Review status: criteria provided, single submitter. Criteria: CeGaT Center For Human Genetics Tuebingen Variant Classification Criteria Version 2. Collection method: clinical testing. Allele origin: germline. Affected: yes. Observed: 1 variant allele.
Comment: TRNT1: PVS1:Strong, PM2

Center for Genomic Medicine, Rigshospitalet, Copenhagen University Hospital
Classification: Likely pathogenic. Last evaluated: 2025-03-04. Review status: criteria provided, single submitter. Criteria: ACMG Guidelines, 2015. Collection method: clinical testing. Allele origin: germline.

Blueprint Genetics
Classification: Likely pathogenic for TRNT1-related disorders. Last evaluated: 2023-11-30. Review status: criteria provided, single submitter. Criteria: ACMG Guidelines, 2015. Collection method: clinical testing. Allele origin: germline. Affected: yes. Observed: 5 variant alleles.

Women's Health and Genetics/Laboratory Corporation of America, LabCorp
Classification: Likely pathogenic for TRNT1-Related Disorders. Last evaluated: 2023-03-26. Review status: criteria provided, single submitter. Criteria: LabCorp Variant Classification Summary - May 2015. Collection method: clinical testing. Allele origin: germline.
Comment: Variant summary: TRNT1 c.1252dupA (p.Ser418LysfsX9) located in the last exon results in a premature termination codon, predicted to cause a truncation of the encoded protein and expected to disrupt the last 17 amino acid(s) of the TRNT1 protein. The variant allele was found at a frequency of 0.00028 in 250732 control chromosomes. This frequency des not allow conclusions about variant significance. c.1252dupA has been reported in the literature in individuals affected with TRNT1-Related Disorders, as a biallelic compound heterozygous genotype in at-least two individuals with features of congenital sideroblastic anaemia with immunodeficiency, fevers and developmental delay (SIFD) and as a different variant (1246delA, p.S418fs) resulting in a frameshift at Ser418 in three individuals with molecularly uncharacterized RP (example, Chakraborty_2014, DeLuca_2016, Giannelou_2018). These data indicate that the variant is likely to be associated with disease. To our knowledge, no experimental evidence demonstrating an impact on protein function has been reported. Three clinical diagnostic laboratories have submitted clinical-significance assessments for this variant to ClinVar after 2014 without evidence for independent evaluation. All laboratories classified the variant as pathogenic. Based on the evidence outlined above, the variant was classified as likely pathogenic.

Genetic Services Laboratory, University of Chicago
Classification: Pathogenic for Sideroblastic anemia with B-cell immunodeficiency, periodic fevers, and developmental delay. Last evaluated: 2016-08-01. Review status: criteria provided, single submitter. Criteria: ACMG Guidelines, 2015. Collection method: clinical testing. Allele origin: germline. Affected: yes.

Institute of Human Genetics, Univ. Regensburg, Univ. Regensburg
Classification: Likely pathogenic for Retinal dystrophy. Last evaluated: 2022-01-01. Review status: no assertion criteria provided. Criteria: ACMG Guidelines, 2015. Collection method: clinical testing. Allele origin: germline. Affected: yes. Not counted in ClinVar's aggregate classification.

OMIM
Classification: Pathogenic for RETINITIS PIGMENTOSA AND ERYTHROCYTIC MICROCYTOSIS. Last evaluated: 2016-05-26. Review status: no assertion criteria provided. Collection method: literature only. Allele origin: germline. Not counted in ClinVar's aggregate classification.

Literature cited by the submitters: PubMed 25193871 (cited by 3 submitters); PubMed 26494905 (cited by 3 submitters); PubMed 29358286 (cited by 3 submitters); PubMed 33646446 (cited by Center for Genomic Medicine, Rigshospitalet, Copenhagen University Hospital).

NM_182916.3(TRNT1):c.1252dup (p.Ser418fs)

Gene: TRNT1 (tRNA nucleotidyl transferase 1; plus strand). Cytogenetic location: 3p26.2.
Variant type: Duplication.
Coding change: c.1252dup on transcript NM_182916.3 (MANE Select); coding-DNA position 1252, one base duplicated (A; older notation c.1252dupA).
Protein change: p.Ser418fs; shifts the reading frame from serine 418.
Molecular consequence: frameshift variant. On other transcripts: non-coding transcript variant (8).
Genome position (GRCh38, 1-based): chr3:3,148,101, A duplicated; the last of 7 consecutive A bases (chr3:3,148,095-3,148,101); duplicating any one gives the same sequence. VCF-style (leftmost placement, unchanged base first): chr3-3148094-G-GA. GRCh37 (hg19) VCF-style: chr3-3189778-G-GA.
Other names: c.1192dup, p.Ser398fs (NM_001302946.2); c.1252dup, p.Ser418fs (NM_001367321.1, NM_001367322.1, NM_001367323.1 and 1 more transcripts); c.1252dupA (NM_182916.3); short protein forms S418fs, S398fs.
Identifiers: ClinVar variation 234934 (VCV000234934.35), dbSNP rs876661298, ClinGen allele CA2228924.